The following is an entry in ClinVar:

NM_001128148.3(TFRC):c.1178T>C (p.Ile393Thr)

Gene: TFRC (transferrin receptor; minus strand). Cytogenetic location: 3q29.
Variant type: single nucleotide variant.
Coding change: c.1178T>C on transcript NM_001128148.3 (MANE Select); coding-DNA position 1178, T replaced by C.
Protein change: p.Ile393Thr; replaces isoleucine 393 with threonine.
Molecular consequence: missense variant.
Genome position (GRCh38, 1-based): chr3:196,065,463, A>G on the plus strand (T>C on the coding strand, the complement: TFRC is on the minus strand). VCF-style: chr3-196065463-A-G. GRCh37 (hg19) VCF-style: chr3-195792334-A-G.
Other names: c.935T>C, p.Ile312Thr (NM_001313965.2); c.332T>C, p.Ile111Thr (NM_001313966.2); c.1178T>C, p.Ile393Thr (NM_003234.4); short protein forms I111T, I312T, I393T.
Identifiers: ClinVar variation 3605303 (VCV003605303.2).

ClinVar aggregate classification (germline): Uncertain significance (1 of 4 stars; one submission).

gnomAD v4.1: 3 of 1,495,500 alleles (0.0002%); highest among the groups gnomAD compares: Middle Eastern, 0.018%; no homozygotes.

Submission:

Labcorp Genetics (formerly Invitae), Labcorp
Classification: Uncertain significance. Last evaluated: 2024-03-12. Review status: criteria provided, single submitter. Criteria: Invitae Variant Classification Sherloc (09022015). Collection method: clinical testing. Allele origin: germline.
Comment: This sequence change replaces isoleucine, which is neutral and non-polar, with threonine, which is neutral and polar, at codon 393 of the TFRC protein (p.Ile393Thr). The frequency data for this variant in the population databases is considered unreliable, as metrics indicate poor data quality at this position in the gnomAD database. This variant has not been reported in the literature in individuals affected with TFRC-related conditions. Advanced modeling of protein sequence and biophysical properties (such as structural, functional, and spatial information, amino acid conservation, physicochemical variation, residue mobility, and thermodynamic stability) performed at Invitae indicates that this missense variant is expected to disrupt TFRC protein function with a positive predictive value of 80%. In summary, the available evidence is currently insufficient to determine the role of this variant in disease. Therefore, it has been classified as a Variant of Uncertain Significance.